The following is an entry in ClinVar:

ClinVar aggregate classification (germline): Uncertain significance (1 of 4 stars; one submission).

Allele frequency attached by ClinVar (database versions not stated): ExAC 0.00001.
gnomAD v4.1: 2 of 1,580,518 alleles (0.00013%); highest among the groups gnomAD compares: Admixed American, 0.0037%; no homozygotes.

Submission:

Labcorp Genetics (formerly Invitae), Labcorp
Classification: Uncertain significance. Last evaluated: 2022-11-03. Review status: criteria provided, single submitter. Criteria: Invitae Variant Classification Sherloc (09022015). Collection method: clinical testing. Allele origin: germline.
Comment: This variant has not been reported in the literature in individuals affected with ZIC4-related conditions. Algorithms developed to predict the effect of missense changes on protein structure and function (SIFT, PolyPhen-2, Align-GVGD) all suggest that this variant is likely to be disruptive. In summary, the available evidence is currently insufficient to determine the role of this variant in disease. Therefore, it has been classified as a Variant of Uncertain Significance. This variant is present in population databases (rs761869580, gnomAD 0.004%). This sequence change replaces proline, which is neutral and non-polar, with alanine, which is neutral and non-polar, at codon 118 of the ZIC4 protein (p.Pro118Ala).

NM_032153.6(ZIC4):c.202C>G (p.Pro68Ala)

Gene: ZIC4 (Zic family zinc finger 4; minus strand). Cytogenetic location: 3q24.
Variant type: single nucleotide variant.
Coding change: c.202C>G on transcript NM_032153.6 (MANE Select); coding-DNA position 202, C replaced by G.
Protein change: p.Pro68Ala; replaces proline 68 with alanine.
Molecular consequence: missense variant. On other transcripts: intron variant (1).
Genome position (GRCh38, 1-based): chr3:147,396,338, G>C on the plus strand (C>G on the coding strand, the complement: ZIC4 is on the minus strand). VCF-style: chr3-147396338-G-C. GRCh37 (hg19) VCF-style: chr3-147114125-G-C.
Other names: c.352C>G, p.Pro118Ala (NM_001168378.1); c.316C>G, p.Pro106Ala (NM_001168379.2); c.71-5092C>G (NM_001243256.2); short protein forms P118A, P106A, P68A.
Identifiers: ClinVar variation 2811830 (VCV002811830.3), dbSNP rs761869580, ClinGen allele CA2656868.